The following is an entry in ClinVar:

NM_001376587.1(IFI16):c.850C>T (p.Pro284Ser)

Gene: IFI16 (interferon gamma inducible protein 16; plus strand). Cytogenetic location: 1q23.1.
Variant type: single nucleotide variant.
Coding change: c.850C>T on transcript NM_001376587.1 (MANE Select); coding-DNA position 850, C replaced by T.
Protein change: p.Pro284Ser; replaces proline 284 with serine.
Molecular consequence: missense variant.
Genome position (GRCh38, 1-based): chr1:159,018,529, C>T. VCF-style: chr1-159018529-C-T. GRCh37 (hg19) VCF-style: chr1-158988319-C-T.
Other names: c.682C>T, p.Pro228Ser (NM_001206567.2); c.850C>T, p.Pro284Ser (NM_001364867.2, NM_001376588.1, NM_001376589.1 and 3 more transcripts); short protein forms P228S, P284S.
Identifiers: ClinVar variation 2639482 (VCV002639482.24), dbSNP rs149606671, ClinGen allele CA1186499.

ClinVar aggregate classification (germline): Likely benign (1 of 4 stars; one submission).

Allele frequency attached by ClinVar (database versions not stated): 1000 Genomes Project 0.00200; 1000 Genomes Project 30x 0.00265; ExAC 0.00540; gnomAD 0.00572; TOPMed 0.00603; ESP Exome Variant Server 0.00730; gnomAD exomes 0.00849.
gnomAD v4.1: 13,307 of 1,613,796 alleles (0.82%); highest among the groups gnomAD compares: Non-Finnish European, 0.97%; 61 homozygotes.

Submission:

CeGaT Center for Human Genetics Tuebingen
Classification: Likely benign. Last evaluated: 2022-11-01. Review status: criteria provided, single submitter. Criteria: CeGaT Center For Human Genetics Tuebingen Variant Classification Criteria Version 2. Collection method: clinical testing. Allele origin: germline. Affected: yes. Observed: 1 variant allele.
Comment: IFI16: BP4, BS2